The following is an entry in ClinVar:

ClinVar aggregate classification (germline): Pathogenic (1 of 4 stars; one submission).

Conditions:
Ververi-Brady syndrome. Identifiers: MedGen C4693824, MONDO:0979877, MONDO:0060707.

Submission:

Institute of Human Genetics, FAU Erlangen, Friedrich-Alexander-Universität Erlangen-Nürnberg
Classification: Pathogenic for Ververi-Brady syndrome. Last evaluated: 2026-02-06. Review status: criteria provided, single submitter. Criteria: Hauer et al. (Genet Med. 2018). Collection method: clinical testing. Allele origin: germline. Inheritance: Autosomal dominant inheritance. Affected: yes. Observed: 1 variant allele.
Comment: This variant has been identified by standard clinical testing. Selected ACMG criteria: Pathogenic (I):PM2;PS2;PVS1

NM_198880.3(QRICH1):c.2012T>A (p.Leu671Ter)

Gene: QRICH1 (glutamine rich 1; minus strand). Cytogenetic location: 3p21.31.
Variant type: single nucleotide variant.
Coding change: c.2012T>A on transcript NM_198880.3 (MANE Select); coding-DNA position 2012, T replaced by A.
Protein change: p.Leu671Ter; replaces leucine 671 with a stop codon.
Molecular consequence: nonsense.
Genome position (GRCh38, 1-based): chr3:49,032,657, A>T on the plus strand (T>A on the coding strand, the complement: QRICH1 is on the minus strand). VCF-style: chr3-49032657-A-T. GRCh37 (hg19) VCF-style: chr3-49070090-A-T.
Other names: c.2012T>A, p.Leu671Ter (NM_001320580.2, NM_001320581.2, NM_001320582.2 and 4 more transcripts); short protein forms L671*.
Identifiers: ClinVar variation 4690265 (VCV004690265.1).